The following is an entry in ClinVar:

ClinVar aggregate classification (germline): Likely benign (0 of 4 stars; one submission).

Conditions:
NARS2-related disorder. Also called: NARS2-related condition.

Allele frequency attached by ClinVar (database versions not stated): gnomAD 0.00001; gnomAD exomes 0.00001; TOPMed 0.00001; ExAC 0.00004; ESP Exome Variant Server 0.00008.
gnomAD v4.1: 12 of 1,613,152 alleles (0.00074%); highest among the groups gnomAD compares: Middle Eastern, 0.016%; no homozygotes.

Submission:

PreventionGenetics, part of Exact Sciences
Classification: Likely benign for NARS2-related condition. Last evaluated: 2019-03-20. Review status: no assertion criteria provided. Collection method: clinical testing. Allele origin: germline.
Comment: This variant is classified as likely benign based on ACMG/AMP sequence variant interpretation guidelines (Richards et al. 2015 PMID: 25741868, with internal and published modifications).

NM_024678.6(NARS2):c.705G>A (p.Val235=)

Gene: NARS2 (asparaginyl-tRNA synthetase 2, mitochondrial; minus strand). Cytogenetic location: 11q14.1.
Variant type: single nucleotide variant.
Coding change: c.705G>A on transcript NM_024678.6 (MANE Select); coding-DNA position 705, G replaced by A.
Protein change: p.Val235=; no amino-acid change (valine 235 retained).
Molecular consequence: synonymous variant.
Genome position (GRCh38, 1-based): chr11:78,493,180, C>T on the plus strand (G>A on the coding strand, the complement: NARS2 is on the minus strand). VCF-style: chr11-78493180-C-T. GRCh37 (hg19) VCF-style: chr11-78204226-C-T.
Other names: c.24G>A, p.Val8= (NM_001243251.2, NM_001425310.1, NM_001425312.1 and 2 more transcripts); c.705G>A, p.Val235= (NM_001425299.1, NM_001425300.1, NM_001425301.1 and 3 more transcripts); c.624G>A, p.Val208= (NM_001425302.1, NM_001425303.1); c.474G>A, p.Val158= (NM_001425308.1); c.54G>A, p.Val18= (NM_001425311.1).
Identifiers: ClinVar variation 3057499 (VCV003057499.2), dbSNP rs370938290, ClinGen allele CA6205734.